The following is an entry in ClinVar:

NM_001165963.4(SCN1A):c.2177-1G>C

Gene: SCN1A (sodium voltage-gated channel alpha subunit 1; minus strand). Cytogenetic location: 2q24.3.
Variant type: single nucleotide variant.
Coding change: c.2177-1G>C on transcript NM_001165963.4 (MANE Select); the canonical splice acceptor site of the intron before coding-DNA position 2177, G replaced by C.
Molecular consequence: splice acceptor variant.
Genome position (GRCh38, 1-based): chr2:166,041,470, C>G on the plus strand (G>C on the coding strand, the complement: SCN1A is on the minus strand). VCF-style: chr2-166041470-C-G. GRCh37 (hg19) VCF-style: chr2-166897980-C-G.
Other names: c.2144-1G>C (NM_001353949.2, NM_001353950.2, NM_001353951.2 and 2 more transcripts); c.2093-1G>C (NM_001353958.2, NM_001353957.2, NM_001165964.3); c.2177-1G>C (NM_001202435.3, NM_001353948.2); c.2141-1G>C (NM_001353955.2, NM_001353954.2); c.2090-1G>C (NM_001353960.2); c.-282-1G>C (NM_001353961.2).
Identifiers: ClinVar variation 994748 (VCV000994748.4), dbSNP rs763400390, ClinGen allele CA349065386.
Genomic context (GRCh38, chr2:166,041,470, plus strand): 5'-AGAATATGTTGGAAAATTTATACCAACAGGGTGGGCATTTCTGCCTGGATTCTTCAAGTT[C>G]TAGATTAAGAAAAAAAAAAAAAAGAACCACCAAAAGGTATACTTTATACACACACATTTA-3'

ClinVar aggregate classification (germline): Pathogenic. Review status: criteria provided, multiple submitters, no conflicts (2 of 4 stars). 2 submissions from 2 submitters: Pathogenic (2). Last evaluated 2023-10-16.

Conditions:
Early-infantile DEE. Also called: Early infantile epileptic encephalopathy; Early infantile epileptic encephalopathy with suppression bursts; Ohtahara syndrome. Identifiers: Orphanet 1934, MedGen C0393706, MONDO:0800491.

Submissions (2):

Labcorp Genetics (formerly Invitae), Labcorp
Classification: Pathogenic for Early-infantile DEE. Last evaluated: 2023-10-16. Review status: criteria provided, single submitter. Criteria: Invitae Variant Classification Sherloc (09022015). Collection method: clinical testing. Allele origin: germline.
Comment: This sequence change affects an acceptor splice site in intron 12 of the SCN1A gene. It is expected to disrupt RNA splicing. Variants that disrupt the donor or acceptor splice site typically lead to a loss of protein function (PMID: 16199547), and loss-of-function variants in SCN1A are known to be pathogenic (PMID: 17347258, 18930999). This variant is not present in population databases (gnomAD no frequency). Disruption of this splice site has been observed in individual(s) with Dravet syndrome (PMID: 28012175, 29655203). ClinVar contains an entry for this variant (Variation ID: 994748). Algorithms developed to predict the effect of sequence changes on RNA splicing suggest that this variant may disrupt the consensus splice site. For these reasons, this variant has been classified as Pathogenic.

Athena Diagnostics
Classification: Pathogenic. Last evaluated: 2020-07-16. Review status: criteria provided, single submitter. Criteria: Athena Diagnostics Criteria. Collection method: clinical testing. Allele origin: unknown.
Comment: The variant disrupts a canonical splice site, and is therefore predicted to result in the loss of a functional protein. Found in at least one patient with expected phenotype for this gene, and not found in general population data.

Literature cited by the submitters: PubMed 16199547 (cited by Labcorp Genetics (formerly Invitae), Labcorp); PubMed 17347258 (cited by Labcorp Genetics (formerly Invitae), Labcorp); PubMed 18930999 (cited by Labcorp Genetics (formerly Invitae), Labcorp); PubMed 28012175 (cited by Labcorp Genetics (formerly Invitae), Labcorp); PubMed 29655203 (cited by Labcorp Genetics (formerly Invitae), Labcorp).